The following is an entry in ClinVar:

NM_001943.5(DSG2):c.2609T>G (p.Leu870Arg)

Genes: DSG2-AS1 (DSG2 antisense RNA 1; minus strand), DSG2 (desmoglein 2; plus strand). Cytogenetic location: 18q12.1.
Variant type: single nucleotide variant.
Coding change: c.2609T>G on transcript NM_001943.5 (MANE Select); coding-DNA position 2609, T replaced by G.
Protein change: p.Leu870Arg; replaces leucine 870 with arginine.
Molecular consequence: missense variant.
Genome position (GRCh38, 1-based): chr18:31,545,995, T>G. VCF-style: chr18-31545995-T-G. GRCh37 (hg19) VCF-style: chr18-29125958-T-G.
Other names: short protein forms L870R.
Identifiers: ClinVar variation 3386604 (VCV003386604.3).
Genomic context (GRCh38, chr18:31,545,995, plus strand): 5'-AAATTGAGCAGAGACAAAAACCTGCCACAGAAACAAGTATGAACACAGCTTCACATTCAC[T>G]CTGTGAGCAAACTATGGTTAATTCAGAGAATACCTACTCCTCTGGCAGTAGCTTCCCAGT-3'
Protein context (NP_001934.2, residues 860-880): ETSMNTASHS[Leu870Arg]CEQTMVNSEN

ClinVar aggregate classification (germline): Uncertain significance. Review status: criteria provided, multiple submitters, no conflicts (2 of 4 stars). 2 submissions from 2 submitters: Uncertain significance (2). Last evaluated 2024-08-05.

Conditions:
Arrhythmogenic right ventricular dysplasia 10. Also called: ARRHYTHMOGENIC RIGHT VENTRICULAR DYSPLASIA, FAMILIAL, 10; Arrhythmogenic Right Ventricular Dysplasia/Cardiomyopathy10; Arrhythmogenic right ventricular dysplasia/cardiomyopathy, type 10. Identifiers: MedGen C1857777, MONDO:0012434, OMIM 610193.
Arrhythmogenic right ventricular cardiomyopathy (ARVD). Also called: Arrhythmogenic right ventricular dysplasia; Cardiomyopathy, ARVC; Arrhythmogenic cardiomyopathy; Arrhythmogenic Right Ventricular Cardiomyopathy (ARVC). Identifiers: Orphanet 247, MedGen C0349788, MeSH D019571, MONDO:0016587. Disease mechanism: loss of function. Inheritance: Various modes of inheritance.

Submissions (2):

Labcorp Genetics (formerly Invitae), Labcorp
Classification: Uncertain significance for Arrhythmogenic right ventricular dysplasia 10. Last evaluated: 2024-08-05. Review status: criteria provided, single submitter. Criteria: Invitae Variant Classification Sherloc (09022015). Collection method: clinical testing. Allele origin: germline.
Comment: This sequence change replaces leucine, which is neutral and non-polar, with arginine, which is basic and polar, at codon 870 of the DSG2 protein (p.Leu870Arg). This variant is not present in population databases (gnomAD no frequency). This variant has not been reported in the literature in individuals affected with DSG2-related conditions. Advanced modeling of protein sequence and biophysical properties (such as structural, functional, and spatial information, amino acid conservation, physicochemical variation, residue mobility, and thermodynamic stability) performed at Invitae indicates that this missense variant is not expected to disrupt DSG2 protein function with a negative predictive value of 95%. In summary, the available evidence is currently insufficient to determine the role of this variant in disease. Therefore, it has been classified as a Variant of Uncertain Significance.

All of Us Research Program, National Institutes of Health
Classification: Uncertain significance for Arrhythmogenic right ventricular cardiomyopathy. Last evaluated: 2024-06-11. Review status: criteria provided, single submitter. Criteria: ACMG Guidelines, 2015. Collection method: clinical testing. Allele origin: germline. Inheritance: Autosomal dominant inheritance. Observed: 1 variant allele, 1 heterozygote.
Comment: This study involves interpretation of variants in research participants for the purpose of population health screening. Participant phenotype was not available at the time of variant classification. Additional details can be found in publication PMID: 35346344, PMCID: PMC8962531